The following is an entry in ClinVar:

NM_015346.4(ZFYVE26):c.2397G>A (p.Thr799=)

Gene: ZFYVE26 (zinc finger FYVE-type containing 26; minus strand). Cytogenetic location: 14q24.1.
Variant type: single nucleotide variant.
Coding change: c.2397G>A on transcript NM_015346.4 (MANE Select); coding-DNA position 2397, G replaced by A.
Protein change: p.Thr799=; no amino-acid change (threonine 799 retained).
Molecular consequence: synonymous variant.
Genome position (GRCh38, 1-based): chr14:67,794,175, C>T on the plus strand (G>A on the coding strand, the complement: ZFYVE26 is on the minus strand). VCF-style: chr14-67794175-C-T. GRCh37 (hg19) VCF-style: chr14-68260892-C-T.
Other names: p.Thr799=; c.2397G>A (NM_015346.3).
Identifiers: ClinVar variation 1145345 (VCV001145345.12), dbSNP rs146003951, ClinGen allele CA7240303.

ClinVar aggregate classification (germline): Likely benign. Review status: criteria provided, multiple submitters, no conflicts (2 of 4 stars). 4 submissions from 4 submitters: Likely benign (4). Last evaluated 2025-08-14.

Conditions:
Spastic paraplegia. Identifiers: MedGen C0037772, HP:0001258.

Allele frequency attached by ClinVar (database versions not stated): ExAC 0.00002; gnomAD 0.00003; ESP Exome Variant Server 0.00008.
gnomAD v4.1: 32 of 1,614,058 alleles (0.002%); highest among the groups gnomAD compares: African/African-American, 0.0027%; no homozygotes.

Submissions (4):

Mayo Clinic Laboratories, Mayo Clinic
Classification: Likely benign. Last evaluated: 2025-08-14. Review status: criteria provided, single submitter. Criteria: ACMG Guidelines, 2015. Collection method: clinical testing. Allele origin: germline. Observed: 1 variant allele.
Comment: BP4, BP7

Labcorp Genetics (formerly Invitae), Labcorp
Classification: Likely benign for Spastic paraplegia. Last evaluated: 2024-12-22. Review status: criteria provided, single submitter. Criteria: Invitae Variant Classification Sherloc (09022015). Collection method: clinical testing. Allele origin: germline.

Athena Diagnostics
Classification: Likely benign. Last evaluated: 2024-11-01. Review status: criteria provided, single submitter. Criteria: Athena Diagnostics Criteria. Collection method: clinical testing. Allele origin: unknown.

Blueprint Genetics
Classification: Likely benign. Last evaluated: 2023-06-12. Review status: criteria provided, single submitter. Criteria: ACMG Guidelines, 2015. Collection method: clinical testing. Allele origin: germline.